The following is an entry in ClinVar:

NM_001349338.3(FOXP1):c.1652+540G>A

Gene: FOXP1 (forkhead box P1; minus strand). Cytogenetic location: 3p13.
Variant type: single nucleotide variant.
Coding change: c.1652+540G>A on transcript NM_001349338.3 (MANE Select); 540 bases into the intron after coding-DNA position 1652, G replaced by A.
Molecular consequence: intron variant. On other transcripts: missense variant (1).
Genome position (GRCh38, 1-based): chr3:70,972,015, C>T on the plus strand (G>A on the coding strand, the complement: FOXP1 is on the minus strand). VCF-style: chr3-70972015-C-T. GRCh37 (hg19) VCF-style: chr3-71021166-C-T.
Other names: c.1696G>A, p.Ala566Thr (NM_001244810.2); c.1652+540G>A (NM_032682.6, NM_001349340.3, NM_001244816.2 and 1 more transcripts); c.1649+540G>A (NM_001349341.3, NM_001244808.3); c.1424+540G>A (NM_001244812.3); c.1349+540G>A (NM_001349343.3, NM_001349337.2, NM_001370548.1 and 1 more transcripts); c.1352+540G>A (NM_001349342.3, NM_001244815.2, NM_001244813.3); c.1696G>A (NM_001244810.1); short protein forms A566T.
Identifiers: ClinVar variation 1879585 (VCV001879585.31), dbSNP rs189070721, ClinGen allele CA2490891.

ClinVar aggregate classification (germline): Likely benign. Review status: criteria provided, multiple submitters, no conflicts (2 of 4 stars). 3 submissions from 3 submitters: Likely benign (2). 1 of the submissions does not count toward it. Last evaluated 2026-05-01.

Conditions:
FOXP1-related disorder. Also called: FOXP1-related condition.

Allele frequency attached by ClinVar (database versions not stated): TOPMed 0.00027; gnomAD exomes 0.00030; gnomAD 0.00038; ExAC 0.00089; 1000 Genomes Project 0.00140; 1000 Genomes Project 30x 0.00141.
gnomAD v4.1: 443 of 1,429,930 alleles (0.031%); highest among the groups gnomAD compares: East Asian, 0.49%; 1 homozygote.

Submissions (3):

CeGaT Center for Human Genetics Tuebingen
Classification: Likely benign. Last evaluated: 2026-05-01. Review status: criteria provided, single submitter. Criteria: CeGaT Center For Human Genetics Tuebingen Variant Classification Criteria Version 2. Collection method: clinical testing. Allele origin: germline. Affected: yes. Observed: 5 variant alleles.
Comment: FOXP1: PP2, BS1

Blueprint Genetics
Classification: Likely benign. Last evaluated: 2024-11-19. Review status: criteria provided, single submitter. Criteria: ACMG Guidelines, 2015. Collection method: clinical testing. Allele origin: germline.

PreventionGenetics, part of Exact Sciences
Classification: Benign for FOXP1-related condition. Last evaluated: 2020-11-10. Review status: no assertion criteria provided. Collection method: clinical testing. Allele origin: germline. Not counted in ClinVar's aggregate classification.
Comment: This variant is classified as benign based on ACMG/AMP sequence variant interpretation guidelines (Richards et al. 2015 PMID: 25741868, with internal and published modifications).